The following is an entry in ClinVar:

NM_013275.6(ANKRD11):c.4872G>A (p.Ala1624=)

Gene: ANKRD11 (ankyrin repeat domain 11; minus strand). Cytogenetic location: 16q24.3.
Variant type: single nucleotide variant.
Coding change: c.4872G>A on transcript NM_013275.6 (MANE Select); coding-DNA position 4872, G replaced by A.
Protein change: p.Ala1624=; no amino-acid change (alanine 1624 retained).
Molecular consequence: synonymous variant.
Genome position (GRCh38, 1-based): chr16:89,281,670, C>T on the plus strand (G>A on the coding strand, the complement: ANKRD11 is on the minus strand). VCF-style: chr16-89281670-C-T. GRCh37 (hg19) VCF-style: chr16-89348078-C-T.
Other names: c.4872G>A, p.Ala1624= (NM_001256182.2, NM_001256183.2).
Identifiers: ClinVar variation 446826 (VCV000446826.54), dbSNP rs143426579, ClinGen allele CA8242025.
Genomic context (GRCh38, chr16:89,281,670, plus strand): 5'-CCCCGGCGGTTTCTTAGCAGGAATGTCCAGACCCTTCTTCCGCCCGTCGTCTGCCGGCTT[C>T]GCCTTCTCCTTGAGCTTGGGGTCTCCGGACCGGTGCCTCAGCTTCTCCATTTGCTTCATC-3'
Protein context (NP_037407.4, residues 1614-1634): RSGDPKLKEK[Ala1624=]KPADDGRKKG

ClinVar aggregate classification (germline): Benign/Likely benign. Review status: criteria provided, multiple submitters, no conflicts (2 of 4 stars). 12 submissions from 12 submitters: Benign (7); Likely benign (3). 2 of the submissions do not count toward it. Last evaluated 2026-09-01.

Conditions:
Inborn genetic diseases. Identifiers: MedGen C0950123, MeSH D030342.
KBG syndrome (KBGS). Also called: ANKRD11-Related KBG Syndrome. Identifiers: Orphanet 2332, MedGen C0220687, MONDO:0007846, OMIM 148050.

Allele frequency attached by ClinVar (database versions not stated): gnomAD exomes 0.00709 and 0.00457; ExAC 0.00458; ESP Exome Variant Server 0.00592; 1000 Genomes Project 30x 0.00250; 1000 Genomes Project 0.00300; TOPMed 0.00440.
gnomAD v4.1: 11,065 of 1,614,162 alleles (0.69%); highest among the groups gnomAD compares: Non-Finnish European, 0.82%; 46 homozygotes.

Submissions (12):

CeGaT Center for Human Genetics Tuebingen
Classification: Benign. Last evaluated: 2026-09-01. Review status: criteria provided, single submitter. Criteria: CeGaT Center For Human Genetics Tuebingen Variant Classification Criteria Version 2. Collection method: clinical testing. Allele origin: germline. Affected: yes. Observed: 74 variant alleles.
Comment: ANKRD11: BP4, BP7, BS1, BS2

Women's Health and Genetics/Laboratory Corporation of America, LabCorp
Classification: Benign. Last evaluated: 2026-05-11. Review status: criteria provided, single submitter. Criteria: LabCorp Variant Classification Summary - May 2015. Collection method: clinical testing. Allele origin: germline.

Labcorp Genetics (formerly Invitae), Labcorp
Classification: Benign for KBG syndrome. Last evaluated: 2026-02-03. Review status: criteria provided, single submitter. Criteria: Invitae Variant Classification Sherloc (09022015). Collection method: clinical testing. Allele origin: germline.

ARUP Laboratories, Molecular Genetics and Genomics, ARUP Laboratories
Classification: Benign for KBG syndrome. Last evaluated: 2025-03-11. Review status: criteria provided, single submitter. Criteria: ARUP Molecular Germline Variant Investigation Process 2024. Collection method: clinical testing. Allele origin: germline.

Blueprint Genetics
Classification: Likely benign. Last evaluated: 2024-11-27. Review status: criteria provided, single submitter. Criteria: ACMG Guidelines, 2015. Collection method: clinical testing. Allele origin: germline.

Genome-Nilou Lab
Classification: Benign for KBG syndrome. Last evaluated: 2021-12-05. Review status: criteria provided, single submitter. Criteria: ACMG Guidelines, 2015. Collection method: clinical testing. Allele origin: germline. Affected: no.

GeneDx
Classification: Benign. Last evaluated: 2018-11-27. Review status: criteria provided, single submitter. Criteria: GeneDx Variant Classification Process June 2021. Collection method: clinical testing. Allele origin: germline. Affected: yes.

Athena Diagnostics
Classification: Benign. Last evaluated: 2017-06-22. Review status: criteria provided, single submitter. Criteria: Athena Diagnostics Criteria. Collection method: clinical testing. Allele origin: germline.

Ambry Genetics
Classification: Likely benign for Inborn genetic diseases. Last evaluated: 2016-06-27. Review status: criteria provided, single submitter. Criteria: Ambry Variant Classification Scheme 2023. Collection method: clinical testing. Allele origin: germline.

Breakthrough Genomics
Classification: Likely benign. Review status: criteria provided, single submitter. Criteria: ACMG Guidelines, 2015. Collection method: not provided. Allele origin: germline. Inheritance: Autosomal dominant inheritance. Affected: yes.

Clinical Genetics DNA and cytogenetics Diagnostics Lab, Erasmus MC, Erasmus Medical Center
Classification: Likely benign. Review status: no assertion criteria provided. Collection method: clinical testing. Allele origin: germline. Affected: yes. Study: VKGL Data-share Consensus. Not counted in ClinVar's aggregate classification.

Joint Genome Diagnostic Labs from Nijmegen and Maastricht, Radboudumc and MUMC+
Classification: Benign. Review status: no assertion criteria provided. Collection method: clinical testing. Allele origin: germline. Affected: yes. Study: VKGL Data-share Consensus. Not counted in ClinVar's aggregate classification.